The following is an entry in ClinVar:

NM_001278716.2(FBXL4):c.527G>A (p.Trp176Ter)

Gene: FBXL4 (F-box and leucine rich repeat protein 4; minus strand). Cytogenetic location: 6q16.2.
Variant type: single nucleotide variant.
Coding change: c.527G>A on transcript NM_001278716.2 (MANE Select); coding-DNA position 527, G replaced by A.
Protein change: p.Trp176Ter; replaces tryptophan 176 with a stop codon.
Molecular consequence: nonsense.
Genome position (GRCh38, 1-based): chr6:98,917,705, C>T on the plus strand (G>A on the coding strand, the complement: FBXL4 is on the minus strand). VCF-style: chr6-98917705-C-T. GRCh37 (hg19) VCF-style: chr6-99365581-C-T.
Other names: c.527G>A, p.Trp176Ter (NM_012160.5); short protein forms W176*.
Identifiers: ClinVar variation 1370980 (VCV001370980.6), dbSNP rs201858974, ClinGen allele CA365084664.

ClinVar aggregate classification (germline): Pathogenic (1 of 4 stars; one submission).

Submission:

Labcorp Genetics (formerly Invitae), Labcorp
Classification: Pathogenic. Last evaluated: 2021-09-09. Review status: criteria provided, single submitter. Criteria: Invitae Variant Classification Sherloc (09022015). Collection method: clinical testing. Allele origin: germline.
Comment: This sequence change creates a premature translational stop signal (p.Trp176*) in the FBXL4 gene. It is expected to result in an absent or disrupted protein product. Loss-of-function variants in FBXL4 are known to be pathogenic (PMID: 23993193, 23993194, 25868664). This variant is not present in population databases (ExAC no frequency). This variant has not been reported in the literature in individuals affected with FBXL4-related conditions. For these reasons, this variant has been classified as Pathogenic.

Literature cited by the submitters: PubMed 23993193; PubMed 23993194; PubMed 25868664.